The following is an entry in ClinVar:

ClinVar aggregate classification (germline): Uncertain significance (1 of 4 stars; one submission).

gnomAD v4.1: 4 of 1,614,202 alleles (0.00025%); highest among the groups gnomAD compares: Non-Finnish European, 0.00034%; no homozygotes.

Submission:

CeGaT Center for Human Genetics Tuebingen
Classification: Uncertain significance. Last evaluated: 2026-03-01. Review status: criteria provided, single submitter. Criteria: CeGaT Center For Human Genetics Tuebingen Variant Classification Criteria Version 2. Collection method: clinical testing. Allele origin: germline. Affected: yes. Observed: 1 variant allele.
Comment: CRTAP: PM2

NM_006371.5(CRTAP):c.719T>C (p.Phe240Ser)

Gene: CRTAP (cartilage associated protein; plus strand). Cytogenetic location: 3p22.3.
Variant type: single nucleotide variant.
Coding change: c.719T>C on transcript NM_006371.5 (MANE Select); coding-DNA position 719, T replaced by C.
Protein change: p.Phe240Ser; replaces phenylalanine 240 with serine.
Molecular consequence: missense variant.
Genome position (GRCh38, 1-based): chr3:33,124,505, T>C. VCF-style: chr3-33124505-T-C. GRCh37 (hg19) VCF-style: chr3-33165997-T-C.
Other names: c.719T>C, p.Phe240Ser (NM_001393363.1, NM_001393364.1); c.569T>C, p.Phe190Ser (NM_001393365.1); short protein forms F190S, F240S.
Identifiers: ClinVar variation 4821500 (VCV004821500.4).